The following is an entry in ClinVar:

NM_003476.5(CSRP3):c.136A>G (p.Ser46Gly)

Gene: CSRP3 (cysteine and glycine rich protein 3; minus strand). Cytogenetic location: 11p15.1.
Variant type: single nucleotide variant.
Coding change: c.136A>G on transcript NM_003476.5 (MANE Select); coding-DNA position 136, A replaced by G.
Protein change: p.Ser46Gly; replaces serine 46 with glycine.
Molecular consequence: missense variant. On other transcripts: intron variant (1).
Genome position (GRCh38, 1-based): chr11:19,188,281, T>C on the plus strand (A>G on the coding strand, the complement: CSRP3 is on the minus strand). VCF-style: chr11-19188281-T-C. GRCh37 (hg19) VCF-style: chr11-19209828-T-C.
Other names: c.136A>G, p.Ser46Gly (NM_001127656.1); c.113-1933A>G (NM_001369404.1); short protein forms S46G.
Identifiers: ClinVar variation 2937037 (VCV002937037.3), dbSNP rs137852765, ClinGen allele CA379888402.
Genomic context (GRCh38, chr11:19,188,281, plus strand): 5'-ATCTGCGCCCATAGCACACCTTGCAGTAGATCTCCGACTCATGAGCCGCGACTGTCGTGC[T>C]GTCAAGAGCCTTCCTGCAGGCCACTGCCAGGAAAAGGAAGGGTCATGGGATTGGAATTGA-3'
Protein context (NP_003467.1, residues 36-56): HCMACRKALD[Ser46Gly]TTVAAHESEI

ClinVar aggregate classification (germline): Uncertain significance (1 of 4 stars; one submission).

Conditions:
Hypertrophic cardiomyopathy 12. Identifiers: MedGen C2677491, MONDO:0012804, OMIM 612124.
Dilated cardiomyopathy 1M (CMD1M). Identifiers: Orphanet 154, MedGen C1843808, MONDO:0011840, OMIM 607482.

gnomAD v4.1: 6 of 1,612,634 alleles (0.00037%); highest among the groups gnomAD compares: Non-Finnish European, 0.00051%; no homozygotes.

Submission:

Labcorp Genetics (formerly Invitae), Labcorp
Classification: Uncertain significance for Hypertrophic cardiomyopathy 12; Dilated cardiomyopathy 1M. Last evaluated: 2024-01-13. Review status: criteria provided, single submitter. Criteria: Invitae Variant Classification Sherloc (09022015). Collection method: clinical testing. Allele origin: germline.
Comment: This sequence change replaces serine, which is neutral and polar, with glycine, which is neutral and non-polar, at codon 46 of the CSRP3 protein (p.Ser46Gly). This variant is not present in population databases (gnomAD no frequency). This variant has not been reported in the literature in individuals affected with CSRP3-related conditions. An algorithm developed to predict the effect of missense changes on protein structure and function (PolyPhen-2) suggests that this variant is likely to be disruptive. In summary, the available evidence is currently insufficient to determine the role of this variant in disease. Therefore, it has been classified as a Variant of Uncertain Significance.